The following is an entry in ClinVar:

ClinVar aggregate classification (germline): Uncertain significance. Review status: criteria provided, multiple submitters, no conflicts (2 of 4 stars). 4 submissions from 4 submitters: Uncertain significance (4). Last evaluated 2024-06-26.

Conditions:
Ornithine carbamoyltransferase deficiency (OTCD). Also called: ORNITHINE TRANSCARBAMYLASE DEFICIENCY, HYPERAMMONEMIA DUE TO; ORNITHINE TRANSCARBAMYLASE DEFICIENCY; OTC DEFICIENCY; Ornithine Carbamoyltransferase Deficiency Disease. Identifiers: Orphanet 664, MedGen C0268542, MONDO:0010703, OMIM 311250.

Allele frequency attached by ClinVar (database versions not stated): gnomAD exomes 0.00001; ESP Exome Variant Server 0.00009; gnomAD 0.00009 and 0.00010; TOPMed 0.00010.
gnomAD v4.1: 20 of 1,200,139 alleles (0.0017%); highest among the groups gnomAD compares: African/African-American, 0.033%; no homozygotes.

Submissions (4):

Labcorp Genetics (formerly Invitae), Labcorp
Classification: Uncertain significance for Ornithine carbamoyltransferase deficiency. Last evaluated: 2024-06-26. Review status: criteria provided, single submitter. Criteria: Invitae Variant Classification Sherloc (09022015). Collection method: clinical testing. Allele origin: germline.
Comment: This sequence change replaces leucine, which is neutral and non-polar, with isoleucine, which is neutral and non-polar, at codon 43 of the OTC protein (p.Leu43Ile). This variant is present in population databases (rs72554309, gnomAD 0.03%), including at least one homozygous and/or hemizygous individual. This variant has not been reported in the literature in individuals affected with OTC-related conditions. ClinVar contains an entry for this variant (Variation ID: 1348491). Advanced modeling of protein sequence and biophysical properties (such as structural, functional, and spatial information, amino acid conservation, physicochemical variation, residue mobility, and thermodynamic stability) performed at Invitae indicates that this missense variant is expected to disrupt OTC protein function with a positive predictive value of 95%. In summary, the available evidence is currently insufficient to determine the role of this variant in disease. Therefore, it has been classified as a Variant of Uncertain Significance.

Women's Health and Genetics/Laboratory Corporation of America, LabCorp
Classification: Uncertain significance. Last evaluated: 2023-08-04. Review status: criteria provided, single submitter. Criteria: LabCorp Variant Classification Summary - May 2015. Collection method: clinical testing. Allele origin: germline.
Comment: Variant summary: OTC c.127C>A (p.Leu43Ile) results in a conservative amino acid change located in the Aspartate/ornithine carbamoyltransferase, carbamoyl-P binding (IPR006132) of the encoded protein sequence. Three of five in-silico tools predict a damaging effect of the variant on protein function. The variant was absent in 183119 control chromosomes (gnomAD). The available data on variant occurrences in the general population are insufficient to allow any conclusion about variant significance. To our knowledge, no occurrence of c.127C>A in individuals affected with Ornithine Transcarbamylase Deficiency and no experimental evidence demonstrating its impact on protein function have been reported. Two submitters have cited clinical-significance assessments for this variant to ClinVar after 2014, and classified the variant as uncertain significance. Based on the evidence outlined above, the variant was classified as uncertain significance.

Johns Hopkins Genomics, Johns Hopkins University
Classification: Uncertain significance for Ornithine carbamoyltransferase deficiency. Last evaluated: 2022-12-23. Review status: criteria provided, single submitter. Criteria: ACMG Guidelines, 2015. Collection method: clinical testing. Allele origin: germline.
Comment: This OTC variant (rs72554309) is rare (<0.1%) in a large population dataset (gnomAD: 2/21659 total alleles; 0.009%; 1 hemizygote –less than 30 years-old) and has been reported in ClinVar. A previously reported alternate pathogenic missense variant (p.Leu43Pro) occurs at this amino acid position. Of two bioinformatics tools queried, one predicts that the substitution would be damaging, while the other predicts that it would be tolerated. The leucine residue at this position is strongly conserved across the vetrebrate species accessed. Bioinformatic analysis predicts that this missense variant would not affect normal exon 2 splicing, although this has not been confirmed experimentally to our knowledge. Due to insufficient evidence that this variant is deleterious, we consider the clinical significance of c.127C>A (p.Leu43Ile) to be uncertain at this time.

Breakthrough Genomics
Classification: Uncertain significance. Review status: criteria provided, single submitter. Criteria: ACMG Guidelines, 2015. Collection method: not provided. Allele origin: germline. Inheritance: X-linked inheritance. Affected: yes.

Literature cited by the submitters: PubMed 2246687 (cited by Johns Hopkins Genomics, Johns Hopkins University); PubMed 24006547 (cited by Johns Hopkins Genomics, Johns Hopkins University); PubMed 26059767 (cited by Johns Hopkins Genomics, Johns Hopkins University).

NM_000531.6(OTC):c.127C>A (p.Leu43Ile)

Gene: OTC (ornithine transcarbamylase; plus strand). Cytogenetic location: Xp11.4.
Variant type: single nucleotide variant.
Coding change: c.127C>A on transcript NM_000531.6 (MANE Select); coding-DNA position 127, C replaced by A.
Protein change: p.Leu43Ile; replaces leucine 43 with isoleucine.
Molecular consequence: missense variant.
Genome position (GRCh38, 1-based): chrX:38,367,340, C>A. VCF-style: chrX-38367340-C-A. GRCh37 (hg19) VCF-style: chrX-38226593-C-A.
Other names: c.127C>A (NM_000531.5); short protein forms L43I.
Identifiers: ClinVar variation 1348491 (VCV001348491.10), dbSNP rs72554309, ClinGen allele CA327925152.